The following is an entry in ClinVar:

NM_000016.6(ACADM):c.468+11G>A

Gene: ACADM (acyl-CoA dehydrogenase medium chain; plus strand). Cytogenetic location: 1p31.1.
Variant type: single nucleotide variant.
Coding change: c.468+11G>A on transcript NM_000016.6 (MANE Select); 11 bases into the intron after coding-DNA position 468, G replaced by A.
Molecular consequence: intron variant.
Genome position (GRCh38, 1-based): chr1:75,734,882, G>A. VCF-style: chr1-75734882-G-A. GRCh37 (hg19) VCF-style: chr1-76200567-G-A.
Other names: c.480+11G>A (NM_001127328.3); c.567+11G>A (NM_001286043.2); c.360+11G>A (NM_001286042.2); c.-100+1960G>A (NM_001286044.2).
Identifiers: ClinVar variation 1966444 (VCV001966444.2), dbSNP rs376463004, ClinGen allele CA913111.

ClinVar aggregate classification (germline): Uncertain significance (1 of 4 stars; one submission).

Conditions:
Medium-chain acyl-coenzyme A dehydrogenase deficiency (ACADMD). Also called: CARNITINE DEFICIENCY SECONDARY TO MEDIUM-CHAIN ACYL-CoA DEHYDROGENASE DEFICIENCY; MCAD Deficiency; Medium chain acyl-CoA dehydrogenase deficiency; MCADH DEFICIENCY; MCADD; ACADM DEFICIENCY. Identifiers: Orphanet 42, MedGen C0220710, MONDO:0008721, OMIM 201450.

Allele frequency attached by ClinVar (database versions not stated): ExAC 0.00001; gnomAD 0.00001; TOPMed 0.00001; ESP Exome Variant Server 0.00008.
gnomAD v4.1: 1 of 1,597,314 alleles (0.000063%); highest among the groups gnomAD compares: African/African-American, 0.0013%; no homozygotes.

Submission:

Labcorp Genetics (formerly Invitae), Labcorp
Classification: Uncertain significance for Medium-chain acyl-coenzyme A dehydrogenase deficiency. Last evaluated: 2022-09-13. Review status: criteria provided, single submitter. Criteria: Invitae Variant Classification Sherloc (09022015). Collection method: clinical testing. Allele origin: germline.
Comment: This sequence change falls in intron 6 of the ACADM gene. It does not directly change the encoded amino acid sequence of the ACADM protein. This variant is not present in population databases (gnomAD no frequency). This variant has not been reported in the literature in individuals affected with ACADM-related conditions. Algorithms developed to predict the effect of sequence changes on RNA splicing suggest that this variant may create or strengthen a splice site. In summary, the available evidence is currently insufficient to determine the role of this variant in disease. Therefore, it has been classified as a Variant of Uncertain Significance.